The following is an entry in ClinVar:

ClinVar aggregate classification (germline): Conflicting classifications of pathogenicity. Review status: criteria provided, conflicting classifications (1 of 4 stars). 4 submissions from 4 submitters: Uncertain significance (2); Likely benign (1). 1 of the submissions does not count toward it. Last evaluated 2024-12-16.

Conditions:
Fanconi anemia (FA). Also called: Fanconi's anemia. Identifiers: Orphanet 84, MedGen C0015625, MeSH D005199, MONDO:0019391.
Hereditary cancer-predisposing syndrome. Also called: Hereditary neoplastic syndrome; Neoplastic Syndromes, Hereditary; Tumor predisposition; Hereditary Cancer Syndrome. Identifiers: Orphanet 140162, MedGen C0027672, MeSH D009386, MONDO:0015356.
Fanconi anemia complementation group C (FANCC). Also called: Fanconi anemia, group C; FANCONI PANCYTOPENIA, TYPE 3; FACC; FANCC-Related Fanconi Anemia. Identifiers: Orphanet 84, MedGen C3468041, MONDO:0009213, OMIM 227645.

Allele frequency attached by ClinVar (database versions not stated): TOPMed below 0.00001; ExAC 0.00001; gnomAD 0.00001; gnomAD exomes 0.00001 and 0.00002; 1000 Genomes Project 30x 0.00016; 1000 Genomes Project 0.00020.
gnomAD v4.1: 12 of 1,614,036 alleles (0.00074%); highest among the groups gnomAD compares: East Asian, 0.0045%; no homozygotes.

Submissions (4):

Ambry Genetics
Classification: Likely benign for Hereditary cancer-predisposing syndrome. Last evaluated: 2024-12-16. Review status: criteria provided, single submitter. Criteria: Ambry Variant Classification Scheme 2023. Collection method: clinical testing. Allele origin: germline.

Labcorp Genetics (formerly Invitae), Labcorp
Classification: Uncertain significance for Fanconi anemia. Last evaluated: 2024-11-15. Review status: criteria provided, single submitter. Criteria: Invitae Variant Classification Sherloc (09022015). Collection method: clinical testing. Allele origin: germline.
Comment: This sequence change replaces glutamic acid, which is acidic and polar, with lysine, which is basic and polar, at codon 178 of the FANCC protein (p.Glu178Lys). This variant is present in population databases (rs554302947, gnomAD 0.007%). This variant has not been reported in the literature in individuals affected with FANCC-related conditions. ClinVar contains an entry for this variant (Variation ID: 422743). Invitae Evidence Modeling of protein sequence and biophysical properties (such as structural, functional, and spatial information, amino acid conservation, physicochemical variation, residue mobility, and thermodynamic stability) indicates that this missense variant is not expected to disrupt FANCC protein function with a negative predictive value of 80%. In summary, the available evidence is currently insufficient to determine the role of this variant in disease. Therefore, it has been classified as a Variant of Uncertain Significance.

GeneDx
Classification: Uncertain significance. Last evaluated: 2016-11-14. Review status: criteria provided, single submitter. Criteria: GeneDx Variant Classification (06012015). Collection method: clinical testing. Allele origin: germline. Affected: yes.
Comment: This variant is denoted FANCC c.532G>A at the cDNA level, p.Glu178Lys (E178K) at the protein level, and results in the change of a Glutamic Acid to a Lysine (GAG>AAG). This variant has not, to our knowledge, been published in the literature as a pathogenic or benign germline variant. However, it has been reported in the literature in an acute myeloid leukemia sample (Lu 2015). FANCC Glu178Lys was not observed at a significant allele frequency in 1000 Genomes. Since Glutamic Acid and Lysine differ in polarity, charge, size or other properties, this is considered a non-conservative amino acid substitution. FANCC Glu178Lys occurs at a position where amino acids with properties similar to Glutamic Acid are tolerated across species and is located within the region of interaction with GRP94 and Hsp70 (Gordon 2000). In silico analyses are inconsistent regarding the effect this variant may have on protein structure and function. Based on currently available evidence, it is unclear whether FANCC Glu178Lys is a pathogenic or benign variant. We consider it to be a variant of uncertain significance.

Natera, Inc.
Classification: Uncertain significance for Fanconi anemia, group C. Last evaluated: 2020-09-16. Review status: no assertion criteria provided. Collection method: clinical testing. Allele origin: germline. Not counted in ClinVar's aggregate classification.

NM_000136.3(FANCC):c.532G>A (p.Glu178Lys)

Genes: FANCC (FA complementation group C; minus strand), AOPEP (aminopeptidase O (putative); plus strand). Cytogenetic location: 9q22.32.
Variant type: single nucleotide variant.
Coding change: c.532G>A on transcript NM_000136.3 (MANE Select); coding-DNA position 532, G replaced by A.
Protein change: p.Glu178Lys; replaces glutamic acid 178 with lysine.
Molecular consequence: missense variant.
Genome position (GRCh38, 1-based): chr9:95,150,077, C>T on the plus strand (G>A on the coding strand, the complement: FANCC is on the minus strand). VCF-style: chr9-95150077-C-T. GRCh37 (hg19) VCF-style: chr9-97912359-C-T.
Other names: c.532G>A, p.Glu178Lys (NM_001243743.2, NM_001243744.2); short protein forms E178K.
Identifiers: ClinVar variation 422743 (VCV000422743.12), dbSNP rs554302947, ClinGen allele CA5137699.
Genomic context (GRCh38, chr9:95,150,077, plus strand): 5'-GGTCAACATCTGTCAGGGTAATAAGTGGGACACAAACTCGTGACAGGGACGCCACTCGCT[C>T]GGGAGCCATTCTATGGAAGAAATAAGAAATAATCACTCAAATCTAAGAGCCATGCATAAT-3'
Protein context (NP_000127.2, residues 168-188): GFNTQRRMAP[Glu178Lys]RVASLSRVCV